The following is an entry in ClinVar:

ClinVar aggregate classification (germline): Pathogenic (1 of 4 stars; one submission).

Conditions:
Hereditary cancer-predisposing syndrome. Also called: Hereditary Cancer Syndrome; Hereditary neoplastic syndrome; Tumor predisposition; Neoplastic Syndromes, Hereditary. Identifiers: Orphanet 140162, MedGen C0027672, MeSH D009386, MONDO:0015356.

Submission:

Ambry Genetics
Classification: Pathogenic for Hereditary cancer-predisposing syndrome. Last evaluated: 2019-08-19. Review status: criteria provided, single submitter. Criteria: Ambry Variant Classification Scheme 2023. Collection method: clinical testing. Allele origin: germline.
Comment: The c.2278_2296del19 pathogenic mutation, located in coding exon 4 of the MSH6 gene, results from a deletion of 19 nucleotides at nucleotide positions 2278 to 2296, causing a translational frameshift with a predicted alternate stop codon (p.E760Ifs*9). This alteration is expected to result in loss of function by premature protein truncation or nonsense-mediated mRNA decay. As such, this alteration is interpreted as a disease-causing mutation.

NM_000179.3(MSH6):c.2278_2296del (p.Glu760fs)

Gene: MSH6 (mutS homolog 6; plus strand). Cytogenetic location: 2p16.3.
Variant type: Deletion.
Coding change: c.2278_2296del on transcript NM_000179.3 (MANE Select); coding-DNA positions 2278 to 2296, 19 bases deleted (GAGAGGGTTGATACTTGCC).
Protein change: p.Glu760fs; shifts the reading frame from glutamic acid 760.
Molecular consequence: frameshift variant.
Genome position (GRCh38, 1-based): chr2:47,800,261-47,800,279, GAGAGGGTTGATACTTGCC deleted. VCF-style (leftmost placement, unchanged base first): chr2-47800260-AGAGAGGGTTGATACTTGCC-A. GRCh37 (hg19) VCF-style: chr2-48027399-AGAGAGGGTTGATACTTGCC-A.
Other names: c.1888_1906del, p.Glu630fs (NM_001281492.2); c.1372_1390del, p.Glu458fs (NM_001281493.2, NM_001281494.2); c.2374_2392del19, p.Glu792Ilefs (NM_001406795.1, NM_001406802.1); c.2278_2296del19, p.Glu760Ilefs (NM_001406796.1, NM_001406798.1, NM_001406800.1 and 3 more transcripts); c.1981_1999del19, p.Glu661Ilefs (NM_001406797.1, NM_001406801.1, NM_001406805.1 and 10 more transcripts); c.1753_1771del19, p.Glu585Ilefs (NM_001406799.1, NM_001406806.1, NM_001406807.1); c.2200_2218del19, p.Glu734Ilefs (NM_001406804.1); c.1372_1390del19, p.Glu458Ilefs (NM_001406811.1, NM_001406812.1, NM_001406814.1 and 4 more transcripts); and 2 more; short protein forms E630fs, E760fs, E458fs.
Identifiers: ClinVar variation 1788883 (VCV001788883.2), dbSNP rs2530662306, ClinGen allele CA2580067812.